The following is an entry in ClinVar:

ClinVar aggregate classification (germline): Pathogenic/Likely pathogenic. Review status: criteria provided, multiple submitters, no conflicts (2 of 4 stars). 2 submissions from 2 submitters: Pathogenic (1); Likely pathogenic (1). Last evaluated 2025-10-02.

Conditions:
Hereditary spastic paraplegia 7 (SPG7). Also called: SPG7-related neurologic disorder; Autosomal recessive spastic paraplegia type 7; Spastic paraplegia 7; Hereditary spastic paraplegia Paraplegin type; SPASTIC PARAPLEGIA 7, AUTOSOMAL RECESSIVE, WITH OR WITHOUT CEREBELLAR ATAXIA. Identifiers: Orphanet 99013, MedGen C1846564, MONDO:0011803, OMIM 607259.

Allele frequency attached by ClinVar (database versions not stated): gnomAD 0.00001.

Submissions (2):

Variantyx, Inc.
Classification: Likely pathogenic for Hereditary spastic paraplegia 7. Last evaluated: 2025-10-02. Review status: criteria provided, single submitter. Criteria: Variantyx Assertion Criteria 2022. Collection method: clinical testing. Allele origin: germline. Inheritance: Autosomal recessive inheritance.
Comment: This is a frameshift variant in the SPG7 gene (OMIM: 602783). Pathogenic variants in this gene have been associated with autosomal recessive spastic paraplegia 7. This variant introduces a premature termination codon in exon 9 out of 17 and is expected to result in loss of function, which is a known disease mechanism for SPG7 in this disorder (PMID: 21623769, 22964162) (PVS1). This variant has a 0.0024% maximum allele frequency in non-founder control populations (PM2). Based on the current evidence, this variant is classified as likely pathogenic for autosomal recessive spastic paraplegia 7.

Labcorp Genetics (formerly Invitae), Labcorp
Classification: Pathogenic for Hereditary spastic paraplegia 7. Last evaluated: 2022-04-30. Review status: criteria provided, single submitter. Criteria: Invitae Variant Classification Sherloc (09022015). Collection method: clinical testing. Allele origin: germline.
Comment: For these reasons, this variant has been classified as Pathogenic. This variant has not been reported in the literature in individuals affected with SPG7-related conditions. This variant is present in population databases (no rsID available, gnomAD 0.01%). This sequence change creates a premature translational stop signal (p.Arg391Glyfs*48) in the SPG7 gene. It is expected to result in an absent or disrupted protein product. Loss-of-function variants in SPG7 are known to be pathogenic (PMID: 21623769, 22964162).

Literature cited by the submitters: PubMed 21623769 (cited by Variantyx, Inc. and Labcorp Genetics (formerly Invitae), Labcorp); PubMed 22964162 (cited by Variantyx, Inc. and Labcorp Genetics (formerly Invitae), Labcorp).

NM_003119.4(SPG7):c.1170del (p.Arg391fs)

Gene: SPG7 (SPG7 matrix AAA peptidase subunit, paraplegin; plus strand). Cytogenetic location: 16q24.3.
Variant type: Deletion.
Coding change: c.1170del on transcript NM_003119.4 (MANE Select); coding-DNA position 1170, one base deleted (G; older notation c.1170delG).
Protein change: p.Arg391fs; shifts the reading frame from arginine 391.
Molecular consequence: frameshift variant.
Genome position (GRCh38, 1-based): chr16:89,532,482, G deleted. VCF-style (leftmost placement, unchanged base first): chr16-89532481-TG-T. GRCh37 (hg19) VCF-style: chr16-89598889-TG-T.
Other names: c.1170del, p.Arg391fs (NM_001363850.1, NM_199367.3); short protein forms R391fs.
Identifiers: ClinVar variation 1904633 (VCV001904633.6), dbSNP rs1216905667, ClinGen allele CA624453094.